The following is an entry in ClinVar:

ClinVar aggregate classification (germline): Likely benign (1 of 4 stars; one submission).

Conditions:
LONP1-related disorder. Also called: LONP1-related disorders; LONP1-related condition.

Submission:

PreventionGenetics, part of Exact Sciences
Classification: Likely benign for LONP1-related condition. Last evaluated: 2026-02-10. Review status: criteria provided, single submitter. Criteria: ACMG Guidelines, 2015. Collection method: clinical testing. Allele origin: germline.
Comment: This variant is classified as likely benign based on ACMG/AMP sequence variant interpretation guidelines (Richards et al. 2015 PMID: 25741868, with internal and published modifications).

NM_004793.4(LONP1):c.948G>A (p.Gln316=)

Gene: LONP1 (lon peptidase 1, mitochondrial; minus strand). Cytogenetic location: 19p13.3.
Variant type: single nucleotide variant.
Coding change: c.948G>A on transcript NM_004793.4 (MANE Select); coding-DNA position 948, G replaced by A.
Protein change: p.Gln316=; no amino-acid change (glutamine 316 retained).
Molecular consequence: synonymous variant. On other transcripts: non-coding transcript variant (1).
Genome position (GRCh38, 1-based): chr19:5,707,811, C>T on the plus strand (G>A on the coding strand, the complement: LONP1 is on the minus strand). VCF-style: chr19-5707811-C-T. GRCh37 (hg19) VCF-style: chr19-5707822-C-T.
Other names: c.756G>A, p.Gln252= (NM_001276479.2); c.360G>A, p.Gln120= (NM_001276480.1).
Identifiers: ClinVar variation 4996412 (VCV004996412.1).
Genomic context (GRCh38, chr19:5,707,811, plus strand): 5'-GGCGCCCATGTCGCTCAGGTAGATGGGGTTGTCCACCACCCGCTGGCCAGCCTGCATCAT[C>T]TGCAGCACTGACTCCCTGGGGGACAAAGGGAGCTGCCTCGGTGGCCAGGGCCTCACGCTC-3'
Protein context (NP_004784.2, residues 306-326): LNPLYRESVL[Gln316=]MMQAGQRVVD